The following is an entry in ClinVar:

NM_145886.4(PIDD1):c.2021G>A (p.Arg674His)

Gene: PIDD1 (p53-induced death domain protein 1; minus strand). Cytogenetic location: 11p15.5.
Variant type: single nucleotide variant.
Coding change: c.2021G>A on transcript NM_145886.4 (MANE Select); coding-DNA position 2021, G replaced by A.
Protein change: p.Arg674His; replaces arginine 674 with histidine.
Molecular consequence: missense variant.
Genome position (GRCh38, 1-based): chr11:800,563, C>T on the plus strand (G>A on the coding strand, the complement: PIDD1 is on the minus strand). VCF-style: chr11-800563-C-T. GRCh37 (hg19) VCF-style: chr11-800563-C-T.
Other names: c.2021G>A (NM_145886.3); c.2021G>A, p.Arg674His (NM_145887.4); short protein forms R674H.
Identifiers: ClinVar variation 3250518 (VCV003250518.19), dbSNP rs113725585.

ClinVar aggregate classification (germline): Likely benign. Review status: criteria provided, multiple submitters, no conflicts (2 of 4 stars). 2 submissions from 2 submitters: Likely benign (2). Last evaluated 2026-09-01.

Conditions:
Inborn genetic diseases. Identifiers: MedGen C0950123, MeSH D030342.

Allele frequency attached by ClinVar (database versions not stated): 1000 Genomes Project 0.00339; 1000 Genomes Project 30x 0.00406; ExAC 0.00585; gnomAD 0.00597; TOPMed 0.00646; ESP Exome Variant Server 0.00762; gnomAD exomes 0.00782.
gnomAD v4.1: 12,222 of 1,609,098 alleles (0.76%); highest among the groups gnomAD compares: Non-Finnish European, 0.92%; 55 homozygotes.

Submissions (2):

CeGaT Center for Human Genetics Tuebingen
Classification: Likely benign. Last evaluated: 2026-09-01. Review status: criteria provided, single submitter. Criteria: CeGaT Center For Human Genetics Tuebingen Variant Classification Criteria Version 2. Collection method: clinical testing. Allele origin: germline. Affected: yes. Observed: 19 variant alleles.
Comment: PIDD1: BP4, BS2

Ambry Genetics
Classification: Likely benign for Inborn genetic diseases. Last evaluated: 2024-07-30. Review status: criteria provided, single submitter. Criteria: Ambry Variant Classification Scheme 2023. Collection method: clinical testing. Allele origin: germline.